The following is an entry in ClinVar:

ClinVar aggregate classification (germline): Uncertain significance. Review status: criteria provided, multiple submitters, no conflicts (2 of 4 stars). 2 submissions from 2 submitters: Uncertain significance (2). Last evaluated 2025-09-16.

gnomAD v4.1: 20 of 1,613,792 alleles (0.0012%); highest among the groups gnomAD compares: East Asian, 0.0022%; no homozygotes.

Submissions (2):

Women's Health and Genetics/Laboratory Corporation of America, LabCorp
Classification: Uncertain significance. Last evaluated: 2025-09-16. Review status: criteria provided, single submitter. Criteria: LabCorp Variant Classification Summary - May 2015. Collection method: clinical testing. Allele origin: germline.
Comment: Variant summary: ALPK1 c.3262G>A (p.Ala1088Thr) results in a non-conservative amino acid change in the encoded protein sequence. Algorithms developed to predict the effect of missense changes on protein structure and function are either unavailable or do not agree on the potential impact of this missense change. The variant allele was found at a frequency of 8e-06 in 251150 control chromosomes (gnomAD v2). The available data on variant occurrences in the general population are insufficient to allow any conclusion about variant significance, and a total of 20 heterozygotes have been reported in the gnomAD v4 database. To our knowledge, no occurrence of c.3262G>A in individuals affected with ALPK1-related conditions and no experimental evidence demonstrating its impact on protein function have been reported. ClinVar contains an entry for this variant (Variation ID: 3694957). Based on the evidence outlined above, the variant was classified as uncertain significance.

Labcorp Genetics (formerly Invitae), Labcorp
Classification: Uncertain significance. Last evaluated: 2024-07-18. Review status: criteria provided, single submitter. Criteria: Invitae Variant Classification Sherloc (09022015). Collection method: clinical testing. Allele origin: germline.
Comment: This sequence change replaces alanine, which is neutral and non-polar, with threonine, which is neutral and polar, at codon 1088 of the ALPK1 protein (p.Ala1088Thr). This variant is present in population databases (rs551402838, gnomAD 0.002%). This variant has not been reported in the literature in individuals affected with ALPK1-related conditions. Advanced modeling of protein sequence and biophysical properties (such as structural, functional, and spatial information, amino acid conservation, physicochemical variation, residue mobility, and thermodynamic stability) performed at Invitae indicates that this missense variant is expected to disrupt ALPK1 protein function with a positive predictive value of 80%. In summary, the available evidence is currently insufficient to determine the role of this variant in disease. Therefore, it has been classified as a Variant of Uncertain Significance.

NM_025144.4(ALPK1):c.3262G>A (p.Ala1088Thr)

Gene: ALPK1 (alpha kinase 1; plus strand). Cytogenetic location: 4q25.
Variant type: single nucleotide variant.
Coding change: c.3262G>A on transcript NM_025144.4 (MANE Select); coding-DNA position 3262, G replaced by A.
Protein change: p.Ala1088Thr; replaces alanine 1088 with threonine.
Molecular consequence: missense variant.
Genome position (GRCh38, 1-based): chr4:112,438,557, G>A. VCF-style: chr4-112438557-G-A. GRCh37 (hg19) VCF-style: chr4-113359713-G-A.
Other names: c.3262G>A, p.Ala1088Thr (NM_001102406.2); c.3028G>A, p.Ala1010Thr (NM_001253884.2); short protein forms A1088T, A1010T.
Identifiers: ClinVar variation 3694957 (VCV003694957.3).
Genomic context (GRCh38, chr4:112,438,557, plus strand): 5'-GACTATAAGGAGCAGAAGGGGCTCTGGCACCACTTCACTGATGTGGAGCGACAGATGACC[G>A]CACAGCACTATGTGACAGAATTTAACAAGAGACTCTATGAACAAAACATTCCCACCCAGA-3'
Protein context (NP_079420.3, residues 1078-1098): HFTDVERQMT[Ala1088Thr]QHYVTEFNKR